The following is an entry in ClinVar:

NM_000234.3(LIG1):c.1234G>A (p.Ala412Thr)

Gene: LIG1 (DNA ligase 1; minus strand). Cytogenetic location: 19q13.33.
Variant type: single nucleotide variant.
Coding change: c.1234G>A on transcript NM_000234.3 (MANE Select); coding-DNA position 1234, G replaced by A.
Protein change: p.Ala412Thr; replaces alanine 412 with threonine.
Molecular consequence: missense variant. On other transcripts: non-coding transcript variant (6).
Genome position (GRCh38, 1-based): chr19:48,137,542, C>T on the plus strand (G>A on the coding strand, the complement: LIG1 is on the minus strand). VCF-style: chr19-48137542-C-T. GRCh37 (hg19) VCF-style: chr19-48640799-C-T.
Other names: c.1141G>A, p.Ala381Thr (NM_001289063.2); c.1030G>A, p.Ala344Thr (NM_001289064.2); c.1231G>A, p.Ala411Thr (NM_001320970.2); c.1144G>A, p.Ala382Thr (NM_001320971.2); c.1234G>A (NM_000234.1); short protein forms A344T, A381T, A382T, A411T, A412T.
Identifiers: ClinVar variation 1444520 (VCV001444520.5), dbSNP rs368941216, ClinGen allele CA9546913.

ClinVar aggregate classification (germline): Uncertain significance. Review status: criteria provided, multiple submitters, no conflicts (2 of 4 stars). 2 submissions from 2 submitters: Uncertain significance (2). Last evaluated 2024-12-09.

Allele frequency attached by ClinVar (database versions not stated): gnomAD exomes 0.00002 and 0.00004; ExAC 0.00005; gnomAD 0.00005 and 0.00006; TOPMed 0.00006; ESP Exome Variant Server 0.00008.
gnomAD v4.1: 40 of 1,612,944 alleles (0.0025%); highest among the groups gnomAD compares: African/African-American, 0.021%; no homozygotes.

Submissions (2):

Labcorp Genetics (formerly Invitae), Labcorp
Classification: Uncertain significance. Last evaluated: 2024-12-09. Review status: criteria provided, single submitter. Criteria: Invitae Variant Classification Sherloc (09022015). Collection method: clinical testing. Allele origin: germline.
Comment: This sequence change replaces alanine, which is neutral and non-polar, with threonine, which is neutral and polar, at codon 412 of the LIG1 protein (p.Ala412Thr). This variant is present in population databases (rs368941216, gnomAD 0.03%). This variant has not been reported in the literature in individuals affected with LIG1-related conditions. ClinVar contains an entry for this variant (Variation ID: 1444520). An algorithm developed to predict the effect of missense changes on protein structure and function (PolyPhen-2) suggests that this variant is likely to be disruptive. In summary, the available evidence is currently insufficient to determine the role of this variant in disease. Therefore, it has been classified as a Variant of Uncertain Significance.

Ambry Genetics
Classification: Uncertain significance. Last evaluated: 2024-10-08. Review status: criteria provided, single submitter. Criteria: Ambry Variant Classification Scheme 2023. Collection method: clinical testing. Allele origin: germline.